The following is an entry in ClinVar:

ClinVar aggregate classification (germline): Likely benign. Review status: criteria provided, single submitter (1 of 4 stars). 2 submissions from 2 submitters: Likely benign (1). 1 of the submissions does not count toward it. Last evaluated 2026-01-19.

Conditions:
Hereditary spastic paraplegia 57. Also called: Spastic paraplegia 57, autosomal recessive. Identifiers: Orphanet 431329, MedGen C3714897, MONDO:0014295, OMIM 615658.
Hereditary motor and sensory neuropathy, Okinawa type (HMSNO). Also called: HEREDITARY MOTOR AND SENSORY NEUROPATHY, PROXIMAL TYPE. Identifiers: Orphanet 90117, MedGen C1858338, MONDO:0011468, OMIM 604484.
TFG-related disorder. Also called: TFG-related disorders; TFG-related condition.

Allele frequency attached by ClinVar (database versions not stated): gnomAD exomes 0.00001; gnomAD 0.00002; ExAC 0.00003; TOPMed 0.00004; 1000 Genomes Project 30x 0.00016; 1000 Genomes Project 0.00020.
gnomAD v4.1: 16 of 1,567,300 alleles (0.001%); highest among the groups gnomAD compares: East Asian, 0.036%; no homozygotes.

Submissions (2):

Labcorp Genetics (formerly Invitae), Labcorp
Classification: Likely benign for Hereditary motor and sensory neuropathy, Okinawa type; Hereditary spastic paraplegia 57. Last evaluated: 2026-01-19. Review status: criteria provided, single submitter. Criteria: Invitae Variant Classification Sherloc (09022015). Collection method: clinical testing. Allele origin: germline.

PreventionGenetics, part of Exact Sciences
Classification: Likely benign for TFG-related condition. Last evaluated: 2024-08-30. Review status: no assertion criteria provided. Collection method: clinical testing. Allele origin: germline. Not counted in ClinVar's aggregate classification.
Comment: This variant is classified as likely benign based on ACMG/AMP sequence variant interpretation guidelines (Richards et al. 2015 PMID: 25741868, with internal and published modifications).

NM_006070.6(TFG):c.162A>C (p.Val54=)

Gene: TFG (trafficking from ER to golgi regulator; plus strand). Cytogenetic location: 3q12.2.
Variant type: single nucleotide variant.
Coding change: c.162A>C on transcript NM_006070.6 (MANE Select); coding-DNA position 162, A replaced by C.
Protein change: p.Val54=; no amino-acid change (valine 54 retained).
Molecular consequence: synonymous variant.
Genome position (GRCh38, 1-based): chr3:100,713,847, A>C. VCF-style: chr3-100713847-A-C. GRCh37 (hg19) VCF-style: chr3-100432691-A-C.
Other names: c.162A>C, p.Val54= (NM_001007565.2, NM_001195478.2, NM_001195479.2); c.162A>C (NM_006070.5).
Identifiers: ClinVar variation 2137923 (VCV002137923.5), dbSNP rs200195571, ClinGen allele CA2516965.